The following is an entry in ClinVar:

ClinVar aggregate classification (germline): Uncertain significance (1 of 4 stars; one submission).

Allele frequency attached by ClinVar (database versions not stated): gnomAD exomes below 0.00001; ExAC 0.00001.
gnomAD v4.1: 4 of 1,613,864 alleles (0.00025%); highest among the groups gnomAD compares: East Asian, 0.0045%; no homozygotes.

Submission:

Labcorp Genetics (formerly Invitae), Labcorp
Classification: Uncertain significance. Last evaluated: 2022-02-24. Review status: criteria provided, single submitter. Criteria: Invitae Variant Classification Sherloc (09022015). Collection method: clinical testing. Allele origin: germline.
Comment: This variant has not been reported in the literature in individuals affected with TJP2-related conditions. This variant is present in population databases (rs775003910, gnomAD 0.0009%). This sequence change replaces aspartic acid, which is acidic and polar, with glycine, which is neutral and non-polar, at codon 341 of the TJP2 protein (p.Asp341Gly). In summary, the available evidence is currently insufficient to determine the role of this variant in disease. Therefore, it has been classified as a Variant of Uncertain Significance. Algorithms developed to predict the effect of missense changes on protein structure and function are either unavailable or do not agree on the potential impact of this missense change (SIFT: "Tolerated"; PolyPhen-2: "Possibly Damaging"; Align-GVGD: "Class C0").

NM_004817.4(TJP2):c.1022A>G (p.Asp341Gly)

Gene: TJP2 (tight junction protein 2; plus strand). Cytogenetic location: 9q21.11.
Variant type: single nucleotide variant.
Coding change: c.1022A>G on transcript NM_004817.4 (MANE Select); coding-DNA position 1022, A replaced by G.
Protein change: p.Asp341Gly; replaces aspartic acid 341 with glycine.
Molecular consequence: missense variant.
Genome position (GRCh38, 1-based): chr9:69,225,373, A>G. VCF-style: chr9-69225373-A-G. GRCh37 (hg19) VCF-style: chr9-71840289-A-G.
Other names: c.953A>G, p.Asp318Gly (NM_001170414.2, NM_001369870.1, NM_001369871.1); c.1034A>G, p.Asp345Gly (NM_001170415.1, NM_001369874.1, NM_001369875.1); c.1115A>G, p.Asp372Gly (NM_001170416.2); c.1022A>G, p.Asp341Gly (NM_001369872.1, NM_001369873.1, NM_201629.3); short protein forms D318G, D372G, D341G, D345G.
Identifiers: ClinVar variation 2102966 (VCV002102966.4), dbSNP rs775003910, ClinGen allele CA5073168.